The following is an entry in ClinVar:

ClinVar aggregate classification (germline): Benign. Review status: criteria provided, multiple submitters, no conflicts (2 of 4 stars). 16 submissions from 15 submitters: Benign (14). 2 of the submissions do not count toward it. Last evaluated 2026-02-04.

Conditions:
Hereditary cancer-predisposing syndrome. Also called: Tumor predisposition; Neoplastic Syndromes, Hereditary; Hereditary neoplastic syndrome; Hereditary Cancer Syndrome. Identifiers: Orphanet 140162, MedGen C0027672, MeSH D009386, MONDO:0015356.
Intrauterine growth retardation, metaphyseal dysplasia, adrenal hypoplasia congenita, genital anomalies, and immunodeficiency. Also called: IMAGEI SYNDROME. Identifiers: MedGen C5193036, MONDO:0032684, OMIM 618336.
Facial dysmorphism-immunodeficiency-livedo-short stature syndrome. Also called: Facial dysmorphism, immunodeficiency, livedo, and short stature; FILS syndrome. Identifiers: Orphanet 352712, MedGen C3554576, MONDO:0014058, OMIM 615139.
Colorectal cancer, susceptibility to, 12 (CRCS12). Also called: COLORECTAL CANCER, SUSCEPTIBILITY TO, ON CHROMOSOME 12q24. Identifiers: Orphanet 220460, MedGen C3554460, MONDO:0014038, OMIM 615083.

Allele frequency attached by ClinVar (database versions not stated): gnomAD exomes 0.45589 and 0.50336; ExAC 0.50285; ESP Exome Variant Server 0.52245; gnomAD 0.53577 and 0.53693; TOPMed 0.55142; 1000 Genomes Project 0.60543; 1000 Genomes Project 30x 0.61071.
gnomAD v4.1: 748,774 of 1,613,846 alleles (46%); highest among the groups gnomAD compares: African/African-American, 72%; 179,148 homozygotes.

Submissions (16):

Labcorp Genetics (formerly Invitae), Labcorp
Classification: Benign. Last evaluated: 2026-02-04. Review status: criteria provided, single submitter. Criteria: Invitae Variant Classification Sherloc (09022015). Collection method: clinical testing. Allele origin: germline.

ARUP Laboratories, Molecular Genetics and Genomics, ARUP Laboratories
Classification: Benign. Last evaluated: 2025-07-30. Review status: criteria provided, single submitter. Criteria: ARUP Molecular Germline Variant Investigation Process 2024. Collection method: clinical testing. Allele origin: germline.

Blueprint Genetics
Classification: Benign. Last evaluated: 2024-11-27. Review status: criteria provided, single submitter. Criteria: ACMG Guidelines, 2015. Collection method: clinical testing. Allele origin: germline.

KCCC/NGS Laboratory, Kuwait Cancer Control Center
Classification: Benign for Colorectal cancer, susceptibility to, 12. Last evaluated: 2023-07-07. Review status: criteria provided, single submitter. Criteria: ACMG Guidelines, 2015. Collection method: clinical testing. Allele origin: germline. Affected: yes.

Mayo Clinic Laboratories, Mayo Clinic
Classification: Benign. Last evaluated: 2022-05-05. Review status: criteria provided, single submitter. Criteria: ACMG Guidelines, 2015. Collection method: clinical testing. Allele origin: germline. Observed: 487 variant alleles.

Genome-Nilou Lab
Classification: Benign for Facial dysmorphism-immunodeficiency-livedo-short stature syndrome. Last evaluated: 2021-10-25. Review status: criteria provided, single submitter. Criteria: ACMG Guidelines, 2015. Collection method: clinical testing. Allele origin: germline. Affected: no.

Genome-Nilou Lab
Classification: Benign for Intrauterine growth retardation, metaphyseal dysplasia, adrenal hypoplasia congenita, genital anomalies, and immunodeficiency. Last evaluated: 2021-10-25. Review status: criteria provided, single submitter. Criteria: ACMG Guidelines, 2015. Collection method: clinical testing. Allele origin: germline. Affected: no.

Department of Pathology and Laboratory Medicine, Sinai Health System
Classification: Benign for Colorectal cancer, susceptibility to, 12; Facial dysmorphism-immunodeficiency-livedo-short stature syndrome; Intrauterine growth retardation, metaphyseal dysplasia, adrenal hypoplasia congenita, genital anomalies, and immunodeficiency. Last evaluated: 2020-07-16. Review status: criteria provided, single submitter. Criteria: ACMG Guidelines, 2015. Collection method: clinical testing. Allele origin: germline.

PreventionGenetics, part of Exact Sciences
Classification: Benign. Last evaluated: 2016-10-17. Review status: criteria provided, single submitter. Criteria: ACMG Guidelines, 2015. Collection method: clinical testing. Allele origin: germline.

Women's Health and Genetics/Laboratory Corporation of America, LabCorp
Classification: Benign. Last evaluated: 2016-08-17. Review status: criteria provided, single submitter. Criteria: LabCorp Variant Classification Summary - May 2015. Collection method: clinical testing. Allele origin: germline.
Comment: Variant summary: The POLE c.3156G>A (p.Thr1052Thr) variant involves the alteration of a conserved nucleotide, resulting in a synonymous change. One in silico tool predicts a damaging outcome for this variant. 5/5 splice prediction tools predict no significant impact on normal splicing. ESE finder predicts that this variant may affect ESE sites. However, these predictions have yet to be confirmed by functional studies. This variant was found in 9827/18014 control chromosomes at a frequency of 0.5455202 (with numerous hozomygotes occurrence), which significantly exceeds the estimated maximal expected allele frequency of a pathogenic POLE variant (0.0000142), suggesting this variant is likely a benign polymorphism. This variant has been reported in patients and classified by authors as polymorphism. Taken together, this variant is classified as benign.

Laboratory for Molecular Medicine, Mass General Brigham Personalized Medicine
Classification: Benign. Last evaluated: 2016-03-29. Review status: criteria provided, single submitter. Criteria: LMM Criteria. Collection method: clinical testing. Allele origin: germline. Observed: 1 variant allele.
Comment: Disclaimer: This variant has not undergone full assessment. The following are pr eliminary notes: Frequency

GeneDx
Classification: Benign. Last evaluated: 2015-10-30. Review status: criteria provided, single submitter. Criteria: GeneDx Variant Classification (06012015). Collection method: clinical testing. Allele origin: germline. Affected: yes.
Comment: This variant is considered likely benign or benign based on one or more of the following criteria: it is a conservative change, it occurs at a poorly conserved position in the protein, it is predicted to be benign by multiple in silico algorithms, and/or has population frequency not consistent with disease.

Ambry Genetics
Classification: Benign for Hereditary cancer-predisposing syndrome. Last evaluated: 2015-05-20. Review status: criteria provided, single submitter. Criteria: Ambry Variant Classification Scheme 2023. Collection method: clinical testing. Allele origin: germline.

Breakthrough Genomics
Classification: Benign. Review status: criteria provided, single submitter. Criteria: ACMG Guidelines, 2015. Collection method: not provided. Allele origin: germline. Inheritance: Autosomal recessive inheritance. Affected: yes.

Clinical Genetics, Academic Medical Center
Classification: Benign. Review status: no assertion criteria provided. Collection method: clinical testing. Allele origin: germline. Affected: yes. Study: VKGL Data-share Consensus. Not counted in ClinVar's aggregate classification.

Joint Genome Diagnostic Labs from Nijmegen and Maastricht, Radboudumc and MUMC+
Classification: Benign. Review status: no assertion criteria provided. Collection method: clinical testing. Allele origin: germline. Affected: yes. Study: VKGL Data-share Consensus. Not counted in ClinVar's aggregate classification.

Literature cited by the submitters: PubMed 20091185 (cited by Women's Health and Genetics/Laboratory Corporation of America, LabCorp); PubMed 21129811 (cited by Women's Health and Genetics/Laboratory Corporation of America, LabCorp).

NM_006231.4(POLE):c.3156G>A (p.Thr1052=)

Gene: POLE (DNA polymerase epsilon, catalytic subunit; minus strand). Cytogenetic location: 12q24.33.
Variant type: single nucleotide variant.
Coding change: c.3156G>A on transcript NM_006231.4 (MANE Select); coding-DNA position 3156, G replaced by A.
Protein change: p.Thr1052=; no amino-acid change (threonine 1052 retained).
Molecular consequence: synonymous variant.
Genome position (GRCh38, 1-based): chr12:132,659,414, C>T on the plus strand (G>A on the coding strand, the complement: POLE is on the minus strand). VCF-style: chr12-132659414-C-T. GRCh37 (hg19) VCF-style: chr12-133236000-C-T.
Other names: p.Thr1052=.
Identifiers: ClinVar variation 380212 (VCV000380212.44), dbSNP rs5744857, ClinGen allele CA6893345.